The following is an entry in ClinVar:

ClinVar aggregate classification (germline): Uncertain significance (1 of 4 stars; one submission).

Submission:

Ambry Genetics
Classification: Uncertain significance. Last evaluated: 2023-07-05. Review status: criteria provided, single submitter. Criteria: Ambry Variant Classification Scheme 2023. Collection method: clinical testing. Allele origin: germline.
Comment: The p.G211E variant (also known as c.632G>A) is located in coding exon 5 of the POLQ gene. The glycine at codon 211 is replaced by glutamic acid, an amino acid with similar properties. This change occurs in the first base pair of coding exon 5. This amino acid position is conserved. In addition, this alteration is predicted to be deleterious by in silico analysis. Since supporting evidence is limited at this time, the clinical significance of this alteration remains unclear.

NM_199420.4(POLQ):c.632G>A (p.Gly211Glu)

Gene: POLQ (DNA polymerase theta; minus strand). Cytogenetic location: 3q13.33.
Variant type: single nucleotide variant.
Coding change: c.632G>A on transcript NM_199420.4 (MANE Select); coding-DNA position 632, G replaced by A.
Protein change: p.Gly211Glu; replaces glycine 211 with glutamic acid.
Molecular consequence: missense variant.
Genome position (GRCh38, 1-based): chr3:121,537,208, C>T on the plus strand (G>A on the coding strand, the complement: POLQ is on the minus strand). VCF-style: chr3-121537208-C-T. GRCh37 (hg19) VCF-style: chr3-121256055-C-T.
Other names: short protein forms G211E.
Identifiers: ClinVar variation 2625825 (VCV002625825.2), dbSNP rs2546822840, ClinGen allele CA354090850.